The following is an entry in ClinVar:

NM_024592.5(SRD5A3):c.171T>C (p.Cys57=)

Gene: SRD5A3 (steroid 5 alpha-reductase 3; plus strand). Cytogenetic location: 4q12.
Variant type: single nucleotide variant.
Coding change: c.171T>C on transcript NM_024592.5 (MANE Select); coding-DNA position 171, T replaced by C.
Protein change: p.Cys57=; no amino-acid change (cysteine 57 retained).
Molecular consequence: synonymous variant.
Genome position (GRCh38, 1-based): chr4:55,346,507, T>C. VCF-style: chr4-55346507-T-C. GRCh37 (hg19) VCF-style: chr4-56212674-T-C.
Other names: c.171T>C (NM_024592.4); c.171T>C, p.Cys57= (NM_001410732.1).
Identifiers: ClinVar variation 1943754 (VCV001943754.6), dbSNP rs752026983, ClinGen allele CA2925219.
Genomic context (GRCh38, chr4:55,346,507, plus strand): 5'-CGGCCTGCTCCCGGGCTGCGCGATCTTCCAGGACCTGATCCGCTATGGGAAAACCAAGTG[T>C]GGGGAGCCGTCGCGCCCCGCCGCCTGCCGAGCCTTTGATGTCCCCAAGAGGTAACCGCGC-3'
Protein context (NP_078868.1, residues 47-67): QDLIRYGKTK[Cys57=]GEPSRPAACR

ClinVar aggregate classification (germline): Likely benign. Review status: criteria provided, multiple submitters, no conflicts (2 of 4 stars). 2 submissions from 2 submitters: Likely benign (2). Last evaluated 2025-09-08.

Conditions:
SRD5A3-related disorder. Also called: SRD5A3-related condition; SRD5A3-Related Disorders.
SRD5A3-congenital disorder of glycosylation. Also called: Congenital disorder of glycosylation type 1Q; SRD5A3-CDG; CDG Iq; COLOBOMA, OCULAR, WITH ICHTHYOSIS, BRAIN MALFORMATIONS, AND ENDOCRINE ABNORMALITIES; Ocular colobomas, ichthyosis, brain malformations and endocrine abnormalities. Identifiers: Orphanet 324737, MedGen C4317224, MONDO:0012885, OMIM 612379.

Allele frequency attached by ClinVar (database versions not stated): gnomAD 0.00002; gnomAD exomes 0.00003; ExAC 0.00009.
gnomAD v4.1: 48 of 1,599,638 alleles (0.003%); highest among the groups gnomAD compares: South Asian, 0.054%; 1 homozygote.

Submissions (2):

PreventionGenetics, part of Exact Sciences
Classification: Likely benign for SRD5A3-related condition. Last evaluated: 2025-09-08. Review status: criteria provided, single submitter. Criteria: ACMG Guidelines, 2015. Collection method: clinical testing. Allele origin: germline.
Comment: This variant is classified as likely benign based on ACMG/AMP sequence variant interpretation guidelines (Richards et al. 2015 PMID: 25741868, with internal and published modifications).

Labcorp Genetics (formerly Invitae), Labcorp
Classification: Likely benign for SRD5A3-congenital disorder of glycosylation. Last evaluated: 2022-05-29. Review status: criteria provided, single submitter. Criteria: Invitae Variant Classification Sherloc (09022015). Collection method: clinical testing. Allele origin: germline.